The following is an entry in ClinVar:

ClinVar aggregate classification (germline): Uncertain significance (1 of 4 stars; one submission).

Submission:

Labcorp Genetics (formerly Invitae), Labcorp
Classification: Uncertain significance. Last evaluated: 2024-02-18. Review status: criteria provided, single submitter. Criteria: Invitae Variant Classification Sherloc (09022015). Collection method: clinical testing. Allele origin: germline.
Comment: This sequence change creates a premature translational stop signal (p.Lys535*) in the CAMK2B gene. It is expected to result in an absent or disrupted protein product. However, the current clinical and genetic evidence is not sufficient to establish whether loss-of-function variants in CAMK2B cause disease. This variant is not present in population databases (gnomAD no frequency). This variant has not been reported in the literature in individuals affected with CAMK2B-related conditions. In summary, the available evidence is currently insufficient to determine the role of this variant in disease. Therefore, it has been classified as a Variant of Uncertain Significance.

NM_001220.5(CAMK2B):c.1603A>T (p.Lys535Ter)

Gene: CAMK2B (calcium/calmodulin dependent protein kinase II beta; minus strand). Cytogenetic location: 7p13.
Variant type: single nucleotide variant.
Coding change: c.1603A>T on transcript NM_001220.5 (MANE Select); coding-DNA position 1603, A replaced by T.
Protein change: p.Lys535Ter; replaces lysine 535 with a stop codon.
Molecular consequence: nonsense.
Genome position (GRCh38, 1-based): chr7:44,220,896, T>A on the plus strand (A>T on the coding strand, the complement: CAMK2B is on the minus strand). VCF-style: chr7-44220896-T-A. GRCh37 (hg19) VCF-style: chr7-44260495-T-A.
Other names: c.1231A>T, p.Lys411Ter (NM_001293170.2, NM_172078.3); c.1159A>T, p.Lys387Ter (NM_172079.3, NM_172082.3); c.1156A>T, p.Lys386Ter (NM_172080.3); c.1114A>T, p.Lys372Ter (NM_172081.3); c.1042A>T, p.Lys348Ter (NM_172083.3); c.952A>T, p.Lys318Ter (NM_172084.3); short protein forms K318*, K348*, K372*, K387*, K386*, K411*, K535*.
Identifiers: ClinVar variation 3641913 (VCV003641913.2).